The following is an entry in ClinVar:

NM_000069.3(CACNA1S):c.5371-11C>G

Gene: CACNA1S (calcium voltage-gated channel subunit alpha1 S; minus strand). Cytogenetic location: 1q32.1.
Variant type: single nucleotide variant.
Coding change: c.5371-11C>G on transcript NM_000069.3 (MANE Select); 11 bases into the intron before coding-DNA position 5371, C replaced by G.
Molecular consequence: intron variant.
Genome position (GRCh38, 1-based): chr1:201,040,093, G>C on the plus strand (C>G on the coding strand, the complement: CACNA1S is on the minus strand). VCF-style: chr1-201040093-G-C. GRCh37 (hg19) VCF-style: chr1-201009221-G-C.
Identifiers: ClinVar variation 3386268 (VCV003386268.1).
Genomic context (GRCh38, chr1:201,040,093, plus strand): 5'-ATGAAGTTTGCATCAGCTGCCAAGGTGCCCAGGCCCCCTCGAACCAGAGCCTGCAGGGAG[G>C]AGAGTAGGCTGAGTGGGGTCTTCCTGGGGAGCCACATTTGGGGACCTGCCTCTGTTGGCC-3'

ClinVar aggregate classification (germline): Likely benign (1 of 4 stars; one submission).

Conditions:
Malignant hyperthermia, susceptibility to, 5 (MHS5). Also called: CACNA1S-Related Malignant Hyperthermia Susceptibility. Identifiers: Orphanet 423, MedGen C1866077, MONDO:0011163, OMIM 601887.

Submission:

All of Us Research Program, National Institutes of Health
Classification: Likely benign for Malignant hyperthermia, susceptibility to, 5. Last evaluated: 2024-08-13. Review status: criteria provided, single submitter. Criteria: ACMG Guidelines, 2015. Collection method: clinical testing. Allele origin: germline. Inheritance: Autosomal dominant inheritance. Observed: 1 variant allele, 1 heterozygote.
Comment: This study involves interpretation of variants in research participants for the purpose of population health screening. Participant phenotype was not available at the time of variant classification. Additional details can be found in publication PMID: 35346344, PMCID: PMC8962531